The following is an entry in ClinVar:

ClinVar aggregate classification (germline): Likely pathogenic. Review status: criteria provided, single submitter (1 of 4 stars). 2 submissions from 2 submitters: Likely pathogenic (1). 1 of the submissions does not count toward it. Last evaluated 2023-08-03.

Conditions:
Seckel syndrome 5 (SCKL5). Identifiers: Orphanet 808, MedGen C3151187, MONDO:0013443, OMIM 613823.

Allele frequency attached by ClinVar (database versions not stated): gnomAD exomes below 0.00001.
gnomAD v4.1: 2 of 1,613,896 alleles (0.00012%); highest among the groups gnomAD compares: Non-Finnish European, 0.000085%; no homozygotes.

Submissions (2):

Labcorp Genetics (formerly Invitae), Labcorp
Classification: Likely pathogenic. Last evaluated: 2023-08-03. Review status: criteria provided, single submitter. Criteria: Invitae Variant Classification Sherloc (09022015). Collection method: clinical testing. Allele origin: germline.
Comment: This variant is present in population databases (no rsID available, gnomAD 0.0009%). Disruption of this splice site has been observed in individual(s) with Seckel syndrome (PMID: 21131973). ClinVar contains an entry for this variant (Variation ID: 31032). Algorithms developed to predict the effect of sequence changes on RNA splicing suggest that this variant may disrupt the consensus splice site. In summary, the currently available evidence indicates that the variant is pathogenic, but additional data are needed to prove that conclusively. Therefore, this variant has been classified as Likely Pathogenic. This sequence change affects a donor splice site in intron 19 of the CEP152 gene. It is expected to disrupt RNA splicing. Variants that disrupt the donor or acceptor splice site typically lead to a loss of protein function (PMID: 16199547), and loss-of-function variants in CEP152 are known to be pathogenic (PMID: 21131973).

OMIM
Classification: Pathogenic for SECKEL SYNDROME 5. Last evaluated: 2011-01-01. Review status: no assertion criteria provided. Collection method: literature only. Allele origin: germline. Not counted in ClinVar's aggregate classification.

Literature cited by the submitters: PubMed 21131973 (cited by Labcorp Genetics (formerly Invitae), Labcorp and OMIM); PubMed 16199547 (cited by Labcorp Genetics (formerly Invitae), Labcorp).

NM_001194998.2(CEP152):c.2694+1G>T

Gene: CEP152 (centrosomal protein 152; minus strand). Cytogenetic location: 15q21.1.
Variant type: single nucleotide variant.
Coding change: c.2694+1G>T on transcript NM_001194998.2 (MANE Select); the canonical splice donor site of the intron after coding-DNA position 2694, G replaced by T.
Molecular consequence: splice donor variant.
Genome position (GRCh38, 1-based): chr15:48,760,134, C>A on the plus strand (G>T on the coding strand, the complement: CEP152 is on the minus strand). VCF-style: chr15-48760134-C-A. GRCh37 (hg19) VCF-style: chr15-49052331-C-A.
Other names: IVS19DS, G-T, +1; c.2694+1G>T (NM_014985.4).
Identifiers: ClinVar variation 31032 (VCV000031032.4), dbSNP rs1349385657, ClinGen allele CA392344671.